The following is an entry in ClinVar:

NM_000396.4(CTSK):c.21G>T (p.Leu7=)

Gene: CTSK (cathepsin K; minus strand). Cytogenetic location: 1q21.3.
Variant type: single nucleotide variant.
Coding change: c.21G>T on transcript NM_000396.4 (MANE Select); coding-DNA position 21, G replaced by T.
Protein change: p.Leu7=; no amino-acid change (leucine 7 retained).
Molecular consequence: synonymous variant.
Genome position (GRCh38, 1-based): chr1:150,806,785, C>A on the plus strand (G>T on the coding strand, the complement: CTSK is on the minus strand). VCF-style: chr1-150806785-C-A. GRCh37 (hg19) VCF-style: chr1-150779261-C-A.
Identifiers: ClinVar variation 1149785 (VCV001149785.26), dbSNP rs201051635, ClinGen allele CA1080595.

ClinVar aggregate classification (germline): Likely benign. Review status: criteria provided, multiple submitters, no conflicts (2 of 4 stars). 2 submissions from 2 submitters: Likely benign (2). Last evaluated 2026-01-09.

Allele frequency attached by ClinVar (database versions not stated): ExAC 0.00001; gnomAD 0.00001; gnomAD exomes 0.00002 and 0.00004.
gnomAD v4.1: 63 of 1,613,884 alleles (0.0039%); highest among the groups gnomAD compares: Non-Finnish European, 0.0044%; no homozygotes.

Submissions (2):

Labcorp Genetics (formerly Invitae), Labcorp
Classification: Likely benign. Last evaluated: 2026-01-09. Review status: criteria provided, single submitter. Criteria: Invitae Variant Classification Sherloc (09022015). Collection method: clinical testing. Allele origin: germline.

CeGaT Center for Human Genetics Tuebingen
Classification: Likely benign. Last evaluated: 2024-07-01. Review status: criteria provided, single submitter. Criteria: CeGaT Center For Human Genetics Tuebingen Variant Classification Criteria Version 2. Collection method: clinical testing. Allele origin: germline. Affected: yes. Observed: 1 variant allele.
Comment: CTSK: BP4, BP7